The following is an entry in ClinVar:

NM_001370785.2(LRRC7):c.2116G>T (p.Asp706Tyr)

Genes: LRRC7 (leucine rich repeat containing 7; plus strand), LRRC7-AS1 (LRRC7 antisense RNA 1; minus strand). Cytogenetic location: 1p31.1.
Variant type: single nucleotide variant.
Coding change: c.2116G>T on transcript NM_001370785.2 (MANE Select); coding-DNA position 2116, G replaced by T.
Protein change: p.Asp706Tyr; replaces aspartic acid 706 with tyrosine.
Molecular consequence: missense variant. On other transcripts: non-coding transcript variant (1), intron variant (1).
Genome position (GRCh38, 1-based): chr1:70,036,452, G>T. VCF-style: chr1-70036452-G-T. GRCh37 (hg19) VCF-style: chr1-70502135-G-T.
Other names: NM_020794.2:c.2002G>T; c.2017G>T, p.Asp673Tyr (NM_001330635.3, NM_001366841.1); c.2119G>T, p.Asp707Tyr (NM_001350216.3); c.2116G>T, p.Asp706Tyr (NM_001366838.3); c.2009-52G>T (NM_001366839.3); short protein forms D706Y, D673Y, D707Y.
Identifiers: ClinVar variation 5009091 (VCV005009091.1).

ClinVar aggregate classification (germline): Uncertain significance (1 of 4 stars; one submission).

Submission:

GeneDx
Classification: Uncertain significance. Last evaluated: 2026-03-12. Review status: criteria provided, single submitter. Criteria: GeneDx Variant Classification Process June 2021. Collection method: clinical testing. Allele origin: germline.
Comment: Not observed at significant frequency in large population cohorts (gnomAD); In silico analysis supports that this missense variant has a deleterious effect on protein structure/function; Has not been previously published as pathogenic or benign to our knowledge